The following is an entry in ClinVar:

ClinVar aggregate classification (germline): Conflicting classifications of pathogenicity. Review status: criteria provided, conflicting classifications (1 of 4 stars). 5 submissions from 5 submitters: Uncertain significance (3); Likely benign (1). 1 of the submissions does not count toward it. Last evaluated 2025-02-21.

Conditions:
Infiltrating duct carcinoma of breast. Also called: Invasive ductal breast carcinoma; Invasive Ductal Carcinoma, Not Otherwise Specified. Identifiers: MedGen C1412014, MONDO:0004953.
Hereditary breast ovarian cancer syndrome. Also called: Breast and ovarian cancer; Hereditary breast and ovarian cancer; BRCA1- and BRCA2-Associated Hereditary Breast and Ovarian Cancer; Hereditary breast and/or ovarian cancer syndrome; Hereditary breast and ovarian cancer syndrome; Hereditary breast and ovarian cancer syndrome (HBOC). Identifiers: Orphanet 145, MedGen C0677776, MeSH D061325, MONDO:0003582. Disease mechanism: loss of function.
Familial cancer of breast. Also called: hereditary breast carcinoma; Hereditary breast cancer; BREAST CANCER, FAMILIAL. Identifiers: Orphanet 227535, MedGen C0346153, MONDO:0016419, OMIM 114480. Disease mechanism: loss of function.
Hereditary cancer-predisposing syndrome. Also called: Hereditary neoplastic syndrome; Hereditary Cancer Syndrome; Tumor predisposition; Neoplastic Syndromes, Hereditary. Identifiers: Orphanet 140162, MedGen C0027672, MeSH D009386, MONDO:0015356.

Allele frequency attached by ClinVar (database versions not stated): gnomAD exomes below 0.00001; TOPMed below 0.00001; gnomAD 0.00001.
gnomAD v4.1: 3 of 1,613,994 alleles (0.00019%); highest among the groups gnomAD compares: Admixed American, 0.0017%; no homozygotes.

Submissions (5):

Labcorp Genetics (formerly Invitae), Labcorp
Classification: Uncertain significance for Hereditary breast ovarian cancer syndrome. Last evaluated: 2025-02-21. Review status: criteria provided, single submitter. Criteria: Invitae Variant Classification Sherloc (09022015). Collection method: clinical testing. Allele origin: germline.
Comment: This sequence change replaces lysine, which is basic and polar, with glutamic acid, which is acidic and polar, at codon 2684 of the BRCA2 protein (p.Lys2684Glu). This variant is present in population databases (no rsID available, gnomAD 0.003%). This variant has not been reported in the literature in individuals affected with BRCA2-related conditions. ClinVar contains an entry for this variant (Variation ID: 439009). Invitae Evidence Modeling of protein sequence and biophysical properties (such as structural, functional, and spatial information, amino acid conservation, physicochemical variation, residue mobility, and thermodynamic stability) indicates that this missense variant is not expected to disrupt BRCA2 protein function with a negative predictive value of 95%. In summary, the available evidence is currently insufficient to determine the role of this variant in disease. Therefore, it has been classified as a Variant of Uncertain Significance.

Baylor Genetics
Classification: Uncertain significance for Familial cancer of breast. Last evaluated: 2024-03-24. Review status: criteria provided, single submitter. Criteria: ACMG Guidelines, 2015. Collection method: clinical testing. Allele origin: unknown.

Quest Diagnostics Nichols Institute San Juan Capistrano
Classification: Uncertain significance. Last evaluated: 2024-01-25. Review status: criteria provided, single submitter. Criteria: Quest Diagnostics criteria. Collection method: clinical testing. Allele origin: unknown.
Comment: The BRCA2 c.8050A>G (p.Lys2684Glu) variant has been reported in the published literature to be located in a region of the BRCA2 gene that is tolerant to missense sequence changes (PMID: 31911673 (2020)). The frequency of this variant in the general population, 0.000004 (1/251232 chromosomes (Genome Aggregation Database)), is uninformative in the assessment of its pathogenicity. Analysis of this variant using bioinformatics tools for the prediction of the effect of amino acid changes on protein structure and function yielded conflicting predictions that this variant is benign or damaging. Based on the available information, we are unable to determine the clinical significance of this variant.

Ambry Genetics
Classification: Likely benign for Hereditary cancer-predisposing syndrome. Last evaluated: 2022-01-09. Review status: criteria provided, single submitter. Criteria: Ambry Variant Classification Scheme 2023. Collection method: clinical testing. Allele origin: germline.

3DMed Clinical Laboratory Inc
Classification: Uncertain significance for Invasive Ductal Carcinoma, Not Otherwise Specified. Last evaluated: 2017-07-26. Review status: no assertion criteria provided. Criteria: ACMG Guidelines, 2015. Collection method: clinical testing. Allele origin: germline. Affected: yes. Not counted in ClinVar's aggregate classification.

Literature cited by the submitters: PubMed 31911673 (cited by Quest Diagnostics Nichols Institute San Juan Capistrano).

NM_000059.4(BRCA2):c.8050A>G (p.Lys2684Glu)

Gene: BRCA2 (BRCA2 DNA repair associated; plus strand). Cytogenetic location: 13q13.1.
Variant type: single nucleotide variant.
Coding change: c.8050A>G on transcript NM_000059.4 (MANE Select); coding-DNA position 8050, A replaced by G.
Protein change: p.Lys2684Glu; replaces lysine 2684 with glutamic acid.
Molecular consequence: missense variant.
Genome position (GRCh38, 1-based): chr13:32,363,252, A>G. VCF-style: chr13-32363252-A-G. GRCh37 (hg19) VCF-style: chr13-32937389-A-G.
Other names: short protein forms K2684E.
Identifiers: ClinVar variation 439009 (VCV000439009.17), dbSNP rs1289414853, ClinGen allele CA387749060.